The following is an entry in ClinVar:

ClinVar aggregate classification (germline): Conflicting classifications of pathogenicity. Review status: criteria provided, conflicting classifications (1 of 4 stars). 2 submissions from 2 submitters: Likely pathogenic (1); Uncertain significance (1). Last evaluated 2026-05-26.

Conditions:
MNX1-related disorder. Also called: MNX1-related condition.

Submissions (2):

PreventionGenetics, part of Exact Sciences
Classification: Uncertain significance for MNX1-related condition. Last evaluated: 2026-05-26. Review status: criteria provided, single submitter. Criteria: ACMG Guidelines, 2015. Collection method: clinical testing. Allele origin: germline.
Comment: The MNX1 c.850C>G variant is predicted to result in the amino acid substitution p.Gln284Glu. To our knowledge, this variant has not been reported in the literature or in a large population database (gnomAD), indicating this variant is rare. This variant falls within the MNX1 homeobox domain (amino acids 241–300), a highly conserved region where missense variants have been reported in individuals with Currarino syndrome (Hagan et al. 2000. PubMed ID: 10749657; Merello et al. 2013. PubMed ID: 24095820). Although we suspect that this variant may be pathogenic, at this time, the clinical significance of this variant is uncertain due to the absence of conclusive functional and genetic evidence.

Labcorp Genetics (formerly Invitae), Labcorp
Classification: Likely pathogenic. Last evaluated: 2024-01-22. Review status: criteria provided, single submitter. Criteria: Invitae Variant Classification Sherloc (09022015). Collection method: clinical testing. Allele origin: germline.
Comment: This sequence change replaces glutamine, which is neutral and polar, with glutamic acid, which is acidic and polar, at codon 284 of the MNX1 protein (p.Gln284Glu). This variant is not present in population databases (gnomAD no frequency). This missense change has been observed in individual(s) with Currarino syndrome (Invitae). In at least one individual the variant was observed to be de novo. An algorithm developed to predict the effect of missense changes on protein structure and function (PolyPhen-2) suggests that this variant is likely to be disruptive. In summary, the currently available evidence indicates that the variant is pathogenic, but additional data are needed to prove that conclusively. Therefore, this variant has been classified as Likely Pathogenic.

NM_005515.4(MNX1):c.850C>G (p.Gln284Glu)

Genes: MNX1 (motor neuron and pancreas homeobox 1; minus strand), MNX1-AS2 (MNX1 antisense RNA 2; plus strand). Cytogenetic location: 7q36.3.
Variant type: single nucleotide variant.
Coding change: c.850C>G on transcript NM_005515.4 (MANE Select); coding-DNA position 850, C replaced by G.
Protein change: p.Gln284Glu; replaces glutamine 284 with glutamic acid.
Molecular consequence: missense variant.
Genome position (GRCh38, 1-based): chr7:157,006,481, G>C on the plus strand (C>G on the coding strand, the complement: MNX1 is on the minus strand). VCF-style: chr7-157006481-G-C. GRCh37 (hg19) VCF-style: chr7-156799175-G-C.
Other names: c.850C>G (NM_005515.3); c.214C>G, p.Gln72Glu (NM_001165255.2); short protein forms Q72E, Q284E.
Identifiers: ClinVar variation 2706740 (VCV002706740.4), dbSNP rs1805601610, ClinGen allele CA370162398.